The following is an entry in ClinVar:

NM_000238.4(KCNH2):c.663C>G (p.His221Gln)

Gene: KCNH2 (potassium voltage-gated channel subfamily H member 2; minus strand). Cytogenetic location: 7q36.1.
Variant type: single nucleotide variant.
Coding change: c.663C>G on transcript NM_000238.4 (MANE Select); coding-DNA position 663, C replaced by G.
Protein change: p.His221Gln; replaces histidine 221 with glutamine.
Molecular consequence: missense variant.
Genome position (GRCh38, 1-based): chr7:150,958,312, G>C on the plus strand (C>G on the coding strand, the complement: KCNH2 is on the minus strand). VCF-style: chr7-150958312-G-C. GRCh37 (hg19) VCF-style: chr7-150655400-G-C.
Other names: c.375C>G, p.His125Gln (NM_001406753.1, NM_001406756.1); c.486C>G, p.His162Gln (NM_001406755.1); c.363C>G, p.His121Gln (NM_001406757.1); c.663C>G, p.His221Gln (NM_172056.3); short protein forms H221Q, H121Q, H125Q, H162Q.
Identifiers: ClinVar variation 647893 (VCV000647893.8), dbSNP rs752896394, ClinGen allele CA369862914.
Genomic context (GRCh38, chr7:150,958,312, plus strand): 5'-GGGCGGAGAGCCGGGACCCACCAGCGCACGCCGCTCCTCCGCGGGCCCGAGCCCTGCCAC[G>C]TGGTTGTCCATGGCTGTCACTTCGTCCAGGGCCAGCGACTCGCTGCTGGGTGCCGCGGGC-3'
Protein context (NP_000229.1, residues 211-231): ALDEVTAMDN[His221Gln]VAGLGPAEER

ClinVar aggregate classification (germline): Uncertain significance (1 of 4 stars; one submission).

Conditions:
Long QT syndrome (LQTS). Identifiers: MedGen C0023976, MeSH D008133, MONDO:0002442. Disease mechanism: loss of function. Inheritance: Various modes of inheritance.

Submission:

Labcorp Genetics (formerly Invitae), Labcorp
Classification: Uncertain significance for Long QT syndrome. Last evaluated: 2018-10-29. Review status: criteria provided, single submitter. Criteria: Invitae Variant Classification Sherloc (09022015). Collection method: clinical testing. Allele origin: germline.
Comment: The frequency data for this variant in the population databases is considered unreliable, as metrics indicate insufficient coverage at this position in the ExAC database. This sequence change replaces histidine with glutamine at codon 221 of the KCNH2 protein (p.His221Gln). The histidine residue is weakly conserved and there is a small physicochemical difference between histidine and glutamine. This missense change has been observed in an individual who suffered a sudden unexplained death (PMID: 29247119). In summary, the available evidence is currently insufficient to determine the role of this variant in disease. Therefore, it has been classified as a Variant of Uncertain Significance. Algorithms developed to predict the effect of sequence changes on RNA splicing suggest that this variant may create or strengthen a splice site, but this prediction has not been confirmed by published transcriptional studies. Algorithms developed to predict the effect of missense changes on protein structure and function (SIFT, PolyPhen-2, Align-GVGD) all suggest that this variant is likely to be tolerated, but these predictions have not been confirmed by published functional studies and their clinical significance is uncertain.

Literature cited by the submitters: PubMed 29247119.